The following is an entry in ClinVar:

ClinVar aggregate classification (germline): Uncertain significance (1 of 4 stars; one submission).

Allele frequency attached by ClinVar (database versions not stated): gnomAD exomes below 0.00001; TOPMed below 0.00001; ExAC 0.00002.

Submission:

Labcorp Genetics (formerly Invitae), Labcorp
Classification: Uncertain significance. Last evaluated: 2024-09-02. Review status: criteria provided, single submitter. Criteria: Invitae Variant Classification Sherloc (09022015). Collection method: clinical testing. Allele origin: germline.
Comment: This sequence change replaces isoleucine, which is neutral and non-polar, with threonine, which is neutral and polar, at codon 675 of the POLR1A protein (p.Ile675Thr). This variant is present in population databases (rs766276681, gnomAD 0.006%). This variant has not been reported in the literature in individuals affected with POLR1A-related conditions. ClinVar contains an entry for this variant (Variation ID: 1962203). Invitae Evidence Modeling of protein sequence and biophysical properties (such as structural, functional, and spatial information, amino acid conservation, physicochemical variation, residue mobility, and thermodynamic stability) has been performed for this missense variant. However, the output from this modeling did not meet the statistical confidence thresholds required to predict the impact of this variant on POLR1A protein function. In summary, the available evidence is currently insufficient to determine the role of this variant in disease. Therefore, it has been classified as a Variant of Uncertain Significance.

NM_015425.6(POLR1A):c.2024T>C (p.Ile675Thr)

Gene: POLR1A (RNA polymerase I subunit A; minus strand). Cytogenetic location: 2p11.2.
Variant type: single nucleotide variant.
Coding change: c.2024T>C on transcript NM_015425.6 (MANE Select); coding-DNA position 2024, T replaced by C.
Protein change: p.Ile675Thr; replaces isoleucine 675 with threonine.
Molecular consequence: missense variant.
Genome position (GRCh38, 1-based): chr2:86,065,308, A>G on the plus strand (T>C on the coding strand, the complement: POLR1A is on the minus strand). VCF-style: chr2-86065308-A-G. GRCh37 (hg19) VCF-style: chr2-86292431-A-G.
Other names: short protein forms I675T.
Identifiers: ClinVar variation 1962203 (VCV001962203.5), dbSNP rs766276681, ClinGen allele CA1746190.